The following is an entry in ClinVar:

NM_001130009.3(GEN1):c.908C>A (p.Thr303Lys)

Gene: GEN1 (GEN1 Holliday junction 5' flap endonuclease; plus strand). Cytogenetic location: 2p24.2.
Variant type: single nucleotide variant.
Coding change: c.908C>A on transcript NM_001130009.3 (MANE Select); coding-DNA position 908, C replaced by A.
Protein change: p.Thr303Lys; replaces threonine 303 with lysine.
Molecular consequence: missense variant.
Genome position (GRCh38, 1-based): chr2:17,772,739, C>A. VCF-style: chr2-17772739-C-A. GRCh37 (hg19) VCF-style: chr2-17954006-C-A.
Other names: c.908C>A, p.Thr303Lys (NM_182625.5); short protein forms T303K.
Identifiers: ClinVar variation 4263043 (VCV004263043.1).

ClinVar aggregate classification (germline): Uncertain significance (1 of 4 stars; one submission).

Submission:

Ambry Genetics
Classification: Uncertain significance. Last evaluated: 2025-07-22. Review status: criteria provided, single submitter. Criteria: Ambry Variant Classification Scheme 2023. Collection method: clinical testing. Allele origin: germline.
Comment: The p.T303K variant (also known as c.908C>A), located in coding exon 7 of the GEN1 gene, results from a C to A substitution at nucleotide position 908. The threonine at codon 303 is replaced by lysine, an amino acid with similar properties. This amino acid position is conserved. In addition, this alteration is predicted to be tolerated by in silico analysis. Based on the available evidence, the clinical significance of this variant remains unclear.